The following is an entry in ClinVar:

NM_012254.3(SLC27A5):c.2006C>G (p.Ala669Gly)

Gene: SLC27A5 (solute carrier family 27 member 5; minus strand). Cytogenetic location: 19q13.43.
Variant type: single nucleotide variant.
Coding change: c.2006C>G on transcript NM_012254.3 (MANE Select); coding-DNA position 2006, C replaced by G.
Protein change: p.Ala669Gly; replaces alanine 669 with glycine.
Molecular consequence: missense variant.
Genome position (GRCh38, 1-based): chr19:58,498,582, G>C on the plus strand (C>G on the coding strand, the complement: SLC27A5 is on the minus strand). VCF-style: chr19-58498582-G-C. GRCh37 (hg19) VCF-style: chr19-59009949-G-C.
Other names: p.Ala669Gly; c.1754C>G, p.Ala585Gly (NM_001321196.2); short protein forms A669G, A585G.
Identifiers: ClinVar variation 284998 (VCV000284998.39), dbSNP rs145618122, ClinGen allele CA9717746.

ClinVar aggregate classification (germline): Benign/Likely benign. Review status: criteria provided, multiple submitters, no conflicts (2 of 4 stars). 5 submissions from 5 submitters: Benign (3); Likely benign (2). Last evaluated 2025-12-22.

Allele frequency attached by ClinVar (database versions not stated): 1000 Genomes Project 30x 0.00359; 1000 Genomes Project 0.00439; gnomAD 0.00506 and 0.00535; TOPMed 0.00583; ESP Exome Variant Server 0.00615; ExAC 0.00722; gnomAD exomes 0.00788.
gnomAD v4.1: 9,988 of 1,614,064 alleles (0.62%); highest among the groups gnomAD compares: Middle Eastern, 2.2%; 109 homozygotes.

Submissions (5):

Labcorp Genetics (formerly Invitae), Labcorp
Classification: Likely benign. Last evaluated: 2025-12-22. Review status: criteria provided, single submitter. Criteria: Invitae Variant Classification Sherloc (09022015). Collection method: clinical testing. Allele origin: germline.

CeGaT Center for Human Genetics Tuebingen
Classification: Benign. Last evaluated: 2023-07-01. Review status: criteria provided, single submitter. Criteria: CeGaT Center For Human Genetics Tuebingen Variant Classification Criteria Version 2. Collection method: clinical testing. Allele origin: germline. Affected: yes. Observed: 1 variant allele.
Comment: SLC27A5: BP4, BS1, BS2

Mayo Clinic Laboratories, Mayo Clinic
Classification: Benign. Last evaluated: 2022-03-10. Review status: criteria provided, single submitter. Criteria: ACMG Guidelines, 2015. Collection method: clinical testing. Allele origin: germline. Observed: 13 variant alleles.

Eurofins Ntd Llc (ga)
Classification: Benign. Last evaluated: 2015-11-30. Review status: criteria provided, single submitter. Criteria: EGL Classification Definitions 2015. Collection method: clinical testing. Allele origin: germline. Observed: 1 variant allele, 1 heterozygote.

Breakthrough Genomics
Classification: Likely benign. Review status: criteria provided, single submitter. Criteria: ACMG Guidelines, 2015. Collection method: not provided. Allele origin: germline. Inheritance: Unknown mechanism. Affected: yes.